The following is an entry in ClinVar:

ClinVar aggregate classification (germline): Uncertain significance (1 of 4 stars; one submission).

Conditions:
Nephronophthisis 14 (NPHP14). Identifiers: Orphanet 2318, MedGen C3539071, MONDO:0013916, OMIM 614844.

Allele frequency attached by ClinVar (database versions not stated): gnomAD exomes below 0.00001.
gnomAD v4.1: 1 of 1,614,220 alleles (0.000062%); highest among the groups gnomAD compares: Non-Finnish European, 0.000085%; no homozygotes.

Submission:

Labcorp Genetics (formerly Invitae), Labcorp
Classification: Uncertain significance for Nephronophthisis 14. Last evaluated: 2023-10-15. Review status: criteria provided, single submitter. Criteria: Invitae Variant Classification Sherloc (09022015). Collection method: clinical testing. Allele origin: germline.
Comment: This sequence change replaces aspartic acid, which is acidic and polar, with glycine, which is neutral and non-polar, at codon 75 of the ZNF423 protein (p.Asp75Gly). This variant is not present in population databases (gnomAD no frequency). This variant has not been reported in the literature in individuals affected with ZNF423-related conditions. Advanced modeling of protein sequence and biophysical properties (such as structural, functional, and spatial information, amino acid conservation, physicochemical variation, residue mobility, and thermodynamic stability) performed at Invitae indicates that this missense variant is not expected to disrupt ZNF423 protein function. In summary, the available evidence is currently insufficient to determine the role of this variant in disease. Therefore, it has been classified as a Variant of Uncertain Significance.

NM_001379286.1(ZNF423):c.248A>G (p.Asp83Gly)

Gene: ZNF423 (zinc finger protein 423; minus strand). Cytogenetic location: 16q12.1.
Variant type: single nucleotide variant.
Coding change: c.248A>G on transcript NM_001379286.1 (MANE Select); coding-DNA position 248, A replaced by G.
Protein change: p.Asp83Gly; replaces aspartic acid 83 with glycine.
Molecular consequence: missense variant.
Genome position (GRCh38, 1-based): chr16:49,730,824, T>C on the plus strand (A>G on the coding strand, the complement: ZNF423 is on the minus strand). VCF-style: chr16-49730824-T-C. GRCh37 (hg19) VCF-style: chr16-49764735-T-C.
Other names: c.44A>G, p.Asp15Gly (NM_001271620.2); c.224A>G, p.Asp75Gly (NM_015069.5); short protein forms D75G, D83G, D15G.
Identifiers: ClinVar variation 2728846 (VCV002728846.3), dbSNP rs2506312215, ClinGen allele CA396110262.